The following is an entry in ClinVar:

NM_024753.5(TTC21B):c.2189A>G (p.Asp730Gly)

Gene: TTC21B (tetratricopeptide repeat domain 21B; minus strand). Cytogenetic location: 2q24.3.
Variant type: single nucleotide variant.
Coding change: c.2189A>G on transcript NM_024753.5 (MANE Select); coding-DNA position 2189, A replaced by G.
Protein change: p.Asp730Gly; replaces aspartic acid 730 with glycine.
Molecular consequence: missense variant.
Genome position (GRCh38, 1-based): chr2:165,913,596, T>C on the plus strand (A>G on the coding strand, the complement: TTC21B is on the minus strand). VCF-style: chr2-165913596-T-C. GRCh37 (hg19) VCF-style: chr2-166770106-T-C.
Other names: short protein forms D730G.
Identifiers: ClinVar variation 4995704 (VCV004995704.1).

ClinVar aggregate classification (germline): Uncertain significance (1 of 4 stars; one submission).

Conditions:
TTC21B-related disorder. Also called: TTC21B-related condition; TTC21B-related disorders.

Submission:

PreventionGenetics, part of Exact Sciences
Classification: Uncertain significance for TTC21B-related condition. Last evaluated: 2026-05-11. Review status: criteria provided, single submitter. Criteria: ACMG Guidelines, 2015. Collection method: clinical testing. Allele origin: germline.
Comment: The TTC21B c.2189A>G variant is predicted to result in the amino acid substitution p.Asp730Gly. To our knowledge, this variant has not been reported in the literature or in a large population database (gnomAD), indicating this variant is rare. At this time, the clinical significance of this variant is uncertain due to the absence of conclusive functional and genetic evidence.